The following is an entry in ClinVar:

ClinVar aggregate classification (germline): Uncertain significance (1 of 4 stars; one submission).

Allele frequency attached by ClinVar (database versions not stated): TOPMed below 0.00001.
gnomAD v4.1: 2 of 1,526,688 alleles (0.00013%); highest among the groups gnomAD compares: Admixed American, 0.0038%; no homozygotes.

Submission:

Labcorp Genetics (formerly Invitae), Labcorp
Classification: Uncertain significance. Last evaluated: 2024-01-09. Review status: criteria provided, single submitter. Criteria: Invitae Variant Classification Sherloc (09022015). Collection method: clinical testing. Allele origin: germline.
Comment: This sequence change replaces alanine, which is neutral and non-polar, with threonine, which is neutral and polar, at codon 235 of the C11orf70 protein (p.Ala235Thr). The frequency data for this variant in the population databases is considered unreliable, as metrics indicate poor data quality at this position in the gnomAD database. This variant has not been reported in the literature in individuals affected with C11orf70-related conditions. Advanced modeling of protein sequence and biophysical properties (such as structural, functional, and spatial information, amino acid conservation, physicochemical variation, residue mobility, and thermodynamic stability) performed at Invitae indicates that this missense variant is not expected to disrupt C11orf70 protein function with a negative predictive value of 80%. In summary, the available evidence is currently insufficient to determine the role of this variant in disease. Therefore, it has been classified as a Variant of Uncertain Significance.

NM_032930.3(CFAP300):c.703G>A (p.Ala235Thr)

Gene: CFAP300 (cilia and flagella associated protein 300; plus strand). Cytogenetic location: 11q22.1.
Variant type: single nucleotide variant.
Coding change: c.703G>A on transcript NM_032930.3 (MANE Select); coding-DNA position 703, G replaced by A.
Protein change: p.Ala235Thr; replaces alanine 235 with threonine.
Molecular consequence: missense variant.
Genome position (GRCh38, 1-based): chr11:102,083,098, G>A. VCF-style: chr11-102083098-G-A. GRCh37 (hg19) VCF-style: chr11-101953829-G-A.
Other names: c.631G>A, p.Ala211Thr (NM_001363505.2); short protein forms A235T, A211T.
Identifiers: ClinVar variation 2987750 (VCV002987750.3), dbSNP rs1219589747, ClinGen allele CA382490183.
Genomic context (GRCh38, chr11:102,083,098, plus strand): 5'-AAAATAATAATAATTTAGGTTTGTCTTTTTCAGGATTCTGCTGGTATGTGCTATCCTTCA[G>A]CAAAGAATCATGAACAGACATTTTCTTACTTTATTGTGGATCCTATCAGGCGTCACCTTC-3'
Protein context (NP_116319.2, residues 225-245): YDSAGMCYPS[Ala235Thr]KNHEQTFSYF